The following is an entry in ClinVar:

ClinVar aggregate classification (germline): Likely benign. Review status: criteria provided, multiple submitters, no conflicts (2 of 4 stars). 2 submissions from 2 submitters: Likely benign (2). Last evaluated 2026-04-01.

Allele frequency attached by ClinVar (database versions not stated): ExAC 0.00001; gnomAD 0.00001; gnomAD exomes 0.00001; TOPMed 0.00001.
gnomAD v4.1: 13 of 1,613,488 alleles (0.00081%); highest among the groups gnomAD compares: Middle Eastern, 0.016%; no homozygotes.

Submissions (2):

CeGaT Center for Human Genetics Tuebingen
Classification: Likely benign. Last evaluated: 2026-04-01. Review status: criteria provided, single submitter. Criteria: CeGaT Center For Human Genetics Tuebingen Variant Classification Criteria Version 2. Collection method: clinical testing. Allele origin: germline. Affected: yes. Observed: 1 variant allele.
Comment: ANK3: BP4, BP7

Labcorp Genetics (formerly Invitae), Labcorp
Classification: Likely benign. Last evaluated: 2025-10-21. Review status: criteria provided, single submitter. Criteria: Invitae Variant Classification Sherloc (09022015). Collection method: clinical testing. Allele origin: germline.

NM_020987.5(ANK3):c.714G>A (p.Pro238=)

Gene: ANK3 (ankyrin 3; minus strand). Cytogenetic location: 10q21.2.
Variant type: single nucleotide variant.
Coding change: c.714G>A on transcript NM_020987.5 (MANE Select); coding-DNA position 714, G replaced by A.
Protein change: p.Pro238=; no amino-acid change (proline 238 retained).
Molecular consequence: synonymous variant.
Genome position (GRCh38, 1-based): chr10:60,261,943, C>T on the plus strand (G>A on the coding strand, the complement: ANK3 is on the minus strand). VCF-style: chr10-60261943-C-T. GRCh37 (hg19) VCF-style: chr10-62021701-C-T.
Other names: c.696G>A, p.Pro232= (NM_001204403.2); c.663G>A, p.Pro221= (NM_001204404.2); c.714G>A, p.Pro238= (NM_001320874.2).
Identifiers: ClinVar variation 746954 (VCV000746954.6), dbSNP rs759617627, ClinGen allele CA5513332.